The following is an entry in ClinVar:

NM_002519.3(NPAT):c.2537A>T (p.Asp846Val)

Gene: NPAT (nuclear protein, coactivator of histone transcription; minus strand). Cytogenetic location: 11q22.3.
Variant type: single nucleotide variant.
Coding change: c.2537A>T on transcript NM_002519.3 (MANE Select); coding-DNA position 2537, A replaced by T.
Protein change: p.Asp846Val; replaces aspartic acid 846 with valine.
Molecular consequence: missense variant.
Genome position (GRCh38, 1-based): chr11:108,172,447, T>A on the plus strand (A>T on the coding strand, the complement: NPAT is on the minus strand). VCF-style: chr11-108172447-T-A. GRCh37 (hg19) VCF-style: chr11-108043174-T-A.
Other names: c.2537A>T, p.Asp846Val (NM_001321307.1); short protein forms D846V.
Identifiers: ClinVar variation 3670254 (VCV003670254.2).

ClinVar aggregate classification (germline): Uncertain significance (1 of 4 stars; one submission).

gnomAD v4.1: 1 of 1,614,138 alleles (0.000062%); no homozygotes.

Submission:

Labcorp Genetics (formerly Invitae), Labcorp
Classification: Uncertain significance. Last evaluated: 2025-01-23. Review status: criteria provided, single submitter. Criteria: Invitae Variant Classification Sherloc (09022015). Collection method: clinical testing. Allele origin: germline.
Comment: This sequence change replaces aspartic acid, which is acidic and polar, with valine, which is neutral and non-polar, at codon 846 of the NPAT protein (p.Asp846Val). This variant is not present in population databases (gnomAD no frequency). This variant has not been reported in the literature in individuals affected with NPAT-related conditions. An algorithm developed to predict the effect of missense changes on protein structure and function (PolyPhen-2) suggests that this variant is likely to be disruptive. In summary, the available evidence is currently insufficient to determine the role of this variant in disease. Therefore, it has been classified as a Variant of Uncertain Significance.